The following is an entry in ClinVar:

ClinVar aggregate classification (germline): Likely benign. Review status: criteria provided, multiple submitters, no conflicts (2 of 4 stars). 4 submissions from 4 submitters: Likely benign (4). Last evaluated 2026-01-26.

Conditions:
Fanconi anemia (FA). Also called: Fanconi's anemia. Identifiers: Orphanet 84, MedGen C0015625, MeSH D005199, MONDO:0019391.
Fanconi anemia complementation group D2. Also called: FANCD2-Related Fanconi Anemia; FANCONI PANCYTOPENIA, TYPE 4; FANCONI ANEMIA, COMPLEMENTATION GROUP D. Identifiers: Orphanet 84, MedGen C3160738, MONDO:0009214, OMIM 227646.

Allele frequency attached by ClinVar (database versions not stated): ExAC 0.00082.

Submissions (4):

Labcorp Genetics (formerly Invitae), Labcorp
Classification: Likely benign for Fanconi anemia. Last evaluated: 2026-01-26. Review status: criteria provided, single submitter. Criteria: Invitae Variant Classification Sherloc (09022015). Collection method: clinical testing. Allele origin: germline.

CeGaT Center for Human Genetics Tuebingen
Classification: Likely benign. Last evaluated: 2025-09-01. Review status: criteria provided, single submitter. Criteria: CeGaT Center For Human Genetics Tuebingen Variant Classification Criteria Version 2. Collection method: clinical testing. Allele origin: germline. Affected: yes. Observed: 3 variant alleles.
Comment: FANCD2: BP4, BP7

Blueprint Genetics
Classification: Likely benign. Last evaluated: 2024-10-24. Review status: criteria provided, single submitter. Criteria: ACMG Guidelines, 2015. Collection method: clinical testing. Allele origin: germline.

Illumina Laboratory Services, Illumina
Classification: Likely benign for Fanconi anemia complementation group D2. Last evaluated: 2018-01-12. Review status: criteria provided, single submitter. Criteria: ICSL Variant Classification Criteria 13 December 2019. Collection method: clinical testing. Allele origin: germline.
Comment: This variant was observed in the ICSL laboratory as part of a predisposition screen in an ostensibly healthy population. It had not been previously curated by ICSL or reported in the Human Gene Mutation Database (HGMD: prior to June 1st, 2018), and was therefore a candidate for classification through an automated scoring system. Utilizing variant allele frequency, disease prevalence and penetrance estimates, and inheritance mode, an automated score was calculated to assess if this variant is too frequent to cause the disease. Based on the score and internal cut-off values, a variant classified as likely benign is not then subjected to further curation. The score for this variant resulted in a classification of likely benign for this disease.

NM_001018115.3(FANCD2):c.2067C>T (p.Tyr689=)

Genes: FANCD2 (FA complementation group D2; plus strand), LOC107303338 (3p25 FANCD2 Alu-mediated recombination region; plus strand). Cytogenetic location: 3p25.3.
Variant type: single nucleotide variant.
Coding change: c.2067C>T on transcript NM_001018115.3 (MANE Select); coding-DNA position 2067, C replaced by T.
Protein change: p.Tyr689=; no amino-acid change (tyrosine 689 retained).
Molecular consequence: synonymous variant.
Genome position (GRCh38, 1-based): chr3:10,064,774, C>T. VCF-style: chr3-10064774-C-T. GRCh37 (hg19) VCF-style: chr3-10106458-C-T.
Other names: c.2067C>T, p.Tyr689= (NM_001319984.2, NM_001374254.1, NM_033084.6); c.1956C>T, p.Tyr652= (NM_001374253.1).
Identifiers: ClinVar variation 342365 (VCV000342365.29), dbSNP rs763189891, ClinGen allele CA2249955.
Genomic context (GRCh38, chr3:10,064,774, plus strand): 5'-GGTTTTTCTCCGCAGTGACTTTCCATTTCCTGTGAAAGCACTGTACGGACTGGAAGAATA[C>T]GACACTCAGGATGGGATTGCCATAAACCTCCTGCCGCTGCTGTTTTCTCAGGACTTTGCA-3'
Protein context (NP_001018125.1, residues 679-699): PVKALYGLEE[Tyr689=]DTQDGIAINL